The following is an entry in ClinVar:

ClinVar aggregate classification (germline): Likely benign (1 of 4 stars; one submission).

Conditions:
GLA-related disorder. Also called: GLA-related condition.

Submission:

PreventionGenetics, part of Exact Sciences
Classification: Likely benign for GLA-related condition. Last evaluated: 2026-03-05. Review status: criteria provided, single submitter. Criteria: ACMG Guidelines, 2015. Collection method: clinical testing. Allele origin: germline.
Comment: This variant is classified as likely benign based on ACMG/AMP sequence variant interpretation guidelines (Richards et al. 2015 PMID: 25741868, with internal and published modifications).

NM_000169.3(GLA):c.640-797G>T

Genes: GLA (galactosidase alpha; minus strand), RPL36A-HNRNPH2 (RPL36A-HNRNPH2 readthrough; plus strand). Cytogenetic location: Xq22.1.
Variant type: single nucleotide variant.
Coding change: c.640-797G>T on transcript NM_000169.3 (MANE Select); 797 bases into the intron before coding-DNA position 640, G replaced by T.
Molecular consequence: intron variant.
Genome position (GRCh38, 1-based): chrX:101,399,743, C>A on the plus strand (G>T on the coding strand, the complement: GLA is on the minus strand). VCF-style: chrX-101399743-C-A. GRCh37 (hg19) VCF-style: chrX-100654731-C-A.
Other names: c.300+4286C>A (NM_001199973.2); c.177+7921C>A (NM_001199974.2); c.763-797G>T (NM_001406747.1); c.640-797G>T (NM_001406748.1).
Identifiers: ClinVar variation 4988598 (VCV004988598.1).